The following is an entry in ClinVar:

ClinVar aggregate classification (germline): Uncertain significance (1 of 4 stars; one submission).

Conditions:
Hypertrophic cardiomyopathy 26. Also called: Cardiomyopathy, familial hypertrophic, 26. Identifiers: Orphanet 75249, MedGen C4310749, MONDO:0014883, OMIM 617047.
Myofibrillar myopathy 5. Also called: Filaminopathy (type); FILAMINOPATHY, AUTOSOMAL DOMINANT. Identifiers: Orphanet 171445, MedGen C1836050, MONDO:0012289, OMIM 609524.
Distal myopathy with posterior leg and anterior hand involvement. Also called: WILLIAMS DISTAL MYOPATHY. Identifiers: Orphanet 63273, MedGen C3279722, MONDO:0013550, OMIM 614065.

Allele frequency attached by ClinVar (database versions not stated): gnomAD exomes below 0.00001.
gnomAD v4.1: 1 of 1,606,718 alleles (0.000062%); highest among the groups gnomAD compares: East Asian, 0.0022%; no homozygotes.

Submission:

Labcorp Genetics (formerly Invitae), Labcorp
Classification: Uncertain significance for Distal myopathy with posterior leg and anterior hand involvement; Myofibrillar myopathy 5; Hypertrophic cardiomyopathy 26. Last evaluated: 2022-07-06. Review status: criteria provided, single submitter. Criteria: Invitae Variant Classification Sherloc (09022015). Collection method: clinical testing. Allele origin: germline.
Comment: This variant has not been reported in the literature in individuals affected with FLNC-related conditions. This variant is not present in population databases (gnomAD no frequency). This sequence change affects codon 2281 of the FLNC mRNA. It is a 'silent' change, meaning that it does not change the encoded amino acid sequence of the FLNC protein. ClinVar contains an entry for this variant (Variation ID: 1415504). In summary, the available evidence is currently insufficient to determine the role of this variant in disease. Therefore, it has been classified as a Variant of Uncertain Significance. Algorithms developed to predict the effect of sequence changes on RNA splicing suggest that this variant may disrupt the consensus splice site.

NM_001458.5(FLNC):c.6843G>A (p.Gln2281=)

Genes: FLNC (filamin C; plus strand), FLNC-AS1 (FLNC antisense RNA 1; minus strand). Cytogenetic location: 7q32.1.
Variant type: single nucleotide variant.
Coding change: c.6843G>A on transcript NM_001458.5 (MANE Select); coding-DNA position 6843, G replaced by A.
Protein change: p.Gln2281=; no amino-acid change (glutamine 2281 retained).
Molecular consequence: synonymous variant.
Genome position (GRCh38, 1-based): chr7:128,854,528, G>A. VCF-style: chr7-128854528-G-A. GRCh37 (hg19) VCF-style: chr7-128494582-G-A.
Other names: c.6744G>A, p.Gln2248= (NM_001127487.2).
Identifiers: ClinVar variation 1415504 (VCV001415504.6), dbSNP rs2128939497, ClinGen allele CA457849678.